The following is an entry in ClinVar:

NM_019098.5(CNGB3):c.1245_1246del (p.Gln415fs)

Gene: CNGB3 (cyclic nucleotide gated channel subunit beta 3; minus strand). Cytogenetic location: 8q21.3.
Variant type: Deletion.
Coding change: c.1245_1246del on transcript NM_019098.5 (MANE Select); coding-DNA positions 1245 to 1246, 2 bases deleted (AA; older notation c.1245_1246delAA).
Protein change: p.Gln415fs; shifts the reading frame from glutamine 415.
Molecular consequence: frameshift variant.
Genome position (GRCh38, 1-based): chr8:86,632,826-86,632,827, TT deleted on the plus strand (AA on the coding strand, the reverse complement: CNGB3 is on the minus strand); deleting any 2 consecutive bases within chr8:86,632,826-86,632,828 gives the same sequence; the c. name uses the placement nearest the transcript's 3' end. VCF-style (leftmost placement, unchanged base first): chr8-86632825-GTT-G. GRCh37 (hg19) VCF-style: chr8-87645053-GTT-G.
Other names: c.1245_1246delAA (NM_019098.4); short protein forms Q415fs.
Identifiers: ClinVar variation 817443 (VCV000817443.1), dbSNP rs1585981462, ClinGen allele CA915945753.

ClinVar aggregate classification (germline): Pathogenic (1 of 4 stars; one submission).

Submission:

GeneDx
Classification: Pathogenic. Last evaluated: 2019-03-01. Review status: criteria provided, single submitter. Criteria: GeneDx Variant Classification (06012015). Collection method: clinical testing. Allele origin: germline. Affected: yes.
Comment: The c.1245_1246delAA pathogenic variant in the CNGB3 gene has not been reported previously as a pathogenic variant nor as a benign variant, to our knowledge. This variant causes a frameshift starting with codon Glutamine 415, changes this amino acid to a Histidine residue, and creates a premature Stop codon at position 4 of the new reading frame, denoted p.Gln415HisfsX4. This variant is predicted to cause loss of normal protein function either through protein truncation or nonsense-mediated mRNA decay. The c.1245_1246delAA variant is not observed in large population cohorts (Lek et al., 2016). We interpret c.1245_1246delAA as a pathogenic variant.